The following continues an entry in ClinVar:

NM_007294.4(BRCA1):c.5468-10C>A

Gene: BRCA1. ClinVar aggregate classification (germline): Benign. Benign (1).

Submissions 25 to 34 of 34:

Brotman Baty Institute, University of Washington
No classification provided (evidence only). Condition: Breast-ovarian cancer, familial 1. Review status: no classification provided. Collection method: in vitro. Allele origin: not applicable. Functional consequence: functionally_normal. Not counted in ClinVar's aggregate classification.
ClinVar note: "not provided" was previously submitted as the classification for the variant. However, the classification appeared to be based only on an observation of functional data so it was converted to no classification on 2025-07-30.

Clinical Genetics DNA and cytogenetics Diagnostics Lab, Erasmus MC, Erasmus Medical Center
Classification: Benign. Review status: no assertion criteria provided. Collection method: clinical testing. Allele origin: germline. Affected: yes. Study: VKGL Data-share Consensus. Not counted in ClinVar's aggregate classification.

Clinical Genetics Laboratory, Department of Pathology, Netherlands Cancer Institute
Classification: Benign. Review status: no assertion criteria provided. Collection method: clinical testing. Allele origin: germline. Affected: yes. Study: VKGL Data-share Consensus. Not counted in ClinVar's aggregate classification.

Department of Pathology and Laboratory Medicine, Sinai Health System
Classification: Benign for Malignant tumor of breast. Review status: no assertion criteria provided. Collection method: clinical testing. Allele origin: unknown. Affected: yes. Observed: 3 variant alleles. Study: The Canadian Open Genetics Repository (COGR). Not counted in ClinVar's aggregate classification.
Comment: The BRCA1 c.5468-10C>A variant was identified in 3 of 4550 proband chromosomes from individuals or families with breast or ovarian cancer (frequency: 0.001); however control chromosomes were not included in these studies (Borg 2010, Tommasi 2008, Uhrhammer 2008).The variant is located in the 3' splice region but does not affect the invariant -1 and -2 positions. However, positions -3 and -5 to -12 are part of the splicing consensus sequence and variants involving these positions sometimes affect splicing. One functional study did not find any effect of the variant on splicing (Houdayer 2012), and in-silico or computational prediction software (SpliceSiteFinder, MaxEntScan, NNSPLICE, GeneSplicer, HumanSpliceFinder) predicts a greater than 10% difference in splicing in only 2 of 5 different programs, though this information is not predictive enough to rule out pathogenicity. The variant was also identified in HGMD, LOVD, and the BIC database (15X with unknown clinical importance), and UMD (31X as a neutral variant). In UMD the variant was identified in four samples as co-occurring a pathogenic variant (two in BRCA1 and two in BRCA2), increasing the likelihood that the variant does not have clinical importance. The variant was listed in dbSNP (ID: rs8176316) with a minor allele frequency of 0.004 (1000 Genomes Project) and an average heterozygosity of 0.007+/-0.060. Furthermore, this variant occurs at a frequency of greater than 1% in some populations of origin and is therefore classified as a polymorphism (African American alleles in the NHLBI Exome Sequencing Project (Exome Variant Server) (frequency: 0.014), HapMap-YRI (frequency: 0.018), HAPMAP-LWK (frequency: 0.017), and HAPMAP-ASW (frequency: 0.01)). In summary, based on the above information, this variant meets our laboratory's criteria to be classified as benign.

Dr. Peter K. Rogan Lab, Western University
No classification provided (evidence only). Condition: Uterine corpus endometrial carcinoma. Review status: no classification provided. Collection method: in vitro. Allele origin: not applicable. Functional consequence: retained intron. Not counted in ClinVar's aggregate classification.

Dr. Peter K. Rogan Lab, Western University
No classification provided (evidence only). Condition: Cervical cancer. Review status: no classification provided. Collection method: in vitro. Allele origin: not applicable. Functional consequence: retained intron. Not counted in ClinVar's aggregate classification.

Dr. Peter K. Rogan Lab, Western University
No classification provided (evidence only). Condition: Cervical cancer. Review status: no classification provided. Collection method: in vitro. Allele origin: not applicable. Functional consequence: retained intron. Not counted in ClinVar's aggregate classification.

Genome Diagnostics Laboratory, University Medical Center Utrecht
Classification: Benign. Review status: no assertion criteria provided. Collection method: clinical testing. Allele origin: germline. Affected: yes. Study: VKGL Data-share Consensus. Not counted in ClinVar's aggregate classification.

Joint Genome Diagnostic Labs from Nijmegen and Maastricht, Radboudumc and MUMC+
Classification: Benign. Review status: no assertion criteria provided. Collection method: clinical testing. Allele origin: germline. Affected: yes. Study: VKGL Data-share Consensus. Not counted in ClinVar's aggregate classification.

Laboratory of Diagnostic Genome Analysis, Leiden University Medical Center (LUMC)
Classification: Benign. Review status: no assertion criteria provided. Collection method: clinical testing. Allele origin: germline. Affected: yes. Study: VKGL Data-share Consensus. Not counted in ClinVar's aggregate classification.

Literature cited by the submitters: DOI 10.3389/fgene.2022.834265 (cited by National Health Laboratory Service, Universitas Academic Hospital and University of the Free State); PubMed 36329109 (cited by Genetics Program, Instituto Nacional de Cancer); PubMed 30209399 (cited by Genetics Program, Instituto Nacional de Cancer); PubMed 22505045 (cited by 3 submitters); PubMed 22034289 (cited by Quest Diagnostics Nichols Institute San Juan Capistrano); PubMed 18645608 (cited by 3 submitters); PubMed 24729269 (cited by Pathway Genomics); PubMed 18694767 (cited by Pathway Genomics and Counsyl); PubMed 16267036 (cited by Pathway Genomics).